The following is an entry in ClinVar:

ClinVar aggregate classification (germline): Benign (0 of 4 stars; one submission).

Conditions:
MUC16-related disorder. Also called: MUC16-related condition.

Allele frequency attached by ClinVar (database versions not stated): ExAC 0.00336; 1000 Genomes Project 0.01058; 1000 Genomes Project 30x 0.01077; gnomAD 0.01157; ESP Exome Variant Server 0.01171; TOPMed 0.01368.

Submission:

PreventionGenetics, part of Exact Sciences
Classification: Benign for MUC16-related condition. Last evaluated: 2019-06-06. Review status: no assertion criteria provided. Collection method: clinical testing. Allele origin: germline.
Comment: This variant is classified as benign based on ACMG/AMP sequence variant interpretation guidelines (Richards et al. 2015 PMID: 25741868, with internal and published modifications).

NM_001401501.2(MUC16):c.1552C>T (p.His518Tyr)

Gene: MUC16 (mucin 16, cell surface associated; minus strand). Cytogenetic location: 19p13.2.
Variant type: single nucleotide variant.
Coding change: c.1552C>T on transcript NM_001401501.2 (MANE Select); coding-DNA position 1552, C replaced by T.
Protein change: p.His518Tyr; replaces histidine 518 with tyrosine.
Molecular consequence: missense variant.
Genome position (GRCh38, 1-based): chr19:8,979,707, G>A on the plus strand (C>T on the coding strand, the complement: MUC16 is on the minus strand). VCF-style: chr19-8979707-G-A. GRCh37 (hg19) VCF-style: chr19-9090383-G-A.
Other names: c.1978C>T, p.His660Tyr (NM_001414686.1); c.1432C>T, p.His478Tyr (NM_001414687.1, NM_024690.2); short protein forms H478Y, H518Y, H660Y.
Identifiers: ClinVar variation 3037459 (VCV003037459.2), dbSNP rs115351589, ClinGen allele CA9173398.